The following is an entry in ClinVar:

ClinVar aggregate classification (germline): Pathogenic (1 of 4 stars; one submission).

Conditions:
Duchenne muscular dystrophy (DMD). Also called: MUSCULAR DYSTROPHY, PSEUDOHYPERTROPHIC PROGRESSIVE, DUCHENNE TYPE; Duchenne Muscular Dystrophy (DMD). Identifiers: Orphanet 98896, MedGen C0013264, MONDO:0010679, OMIM 310200.

Submission:

Labcorp Genetics (formerly Invitae), Labcorp
Classification: Pathogenic for Duchenne muscular dystrophy. Last evaluated: 2024-05-24. Review status: criteria provided, single submitter. Criteria: Invitae Variant Classification Sherloc (09022015). Collection method: clinical testing. Allele origin: germline.
Comment: This sequence change creates a premature translational stop signal (p.Leu3444Glnfs*12) in the DMD gene. It is expected to result in an absent or disrupted protein product. Loss-of-function variants in DMD are known to be pathogenic (PMID: 16770791, 25007885). This variant is not present in population databases (gnomAD no frequency). This variant has not been reported in the literature in individuals affected with DMD-related conditions. For these reasons, this variant has been classified as Pathogenic.

Literature cited by the submitters: PubMed 16770791; PubMed 25007885.

NM_004006.3(DMD):c.10331del (p.Leu3444fs)

Gene: DMD (dystrophin; minus strand). Cytogenetic location: Xp21.2.
Variant type: Deletion.
Coding change: c.10331del on transcript NM_004006.3 (MANE Select); coding-DNA position 10331, one base deleted (T; older notation c.10331delT).
Protein change: p.Leu3444fs; shifts the reading frame from leucine 3444.
Molecular consequence: frameshift variant. On other transcripts: intron variant (2).
Genome position (GRCh38, 1-based): chrX:31,172,411, A deleted on the plus strand (T on the coding strand, the reverse complement: DMD is on the minus strand). VCF-style (leftmost placement, unchanged base first): chrX-31172410-TA-T. GRCh37 (hg19) VCF-style: chrX-31190527-TA-T.
Other names: c.10307del, p.Leu3436fs (NM_000109.4); c.10319del, p.Leu3440fs (NM_004009.3); c.9962del, p.Leu3321fs (NM_004010.3); c.6308del, p.Leu2103fs (NM_004011.4); c.6299del, p.Leu2100fs (NM_004012.4); c.2951del, p.Leu984fs (NM_004013.3, NM_004021.3); c.2144del, p.Leu715fs (NM_004014.3); c.1127del, p.Leu376fs (NM_004015.3, NM_004016.3); and 3 more; short protein forms L2100fs, L376fs, L971fs, L3440fs, L3444fs, L984fs, L3321fs, L3436fs.
Identifiers: ClinVar variation 3641309 (VCV003641309.2).